The following is an entry in ClinVar:

NM_001386393.1(PANK2):c.1082G>A (p.Ser361Asn)

Gene: PANK2 (pantothenate kinase 2; plus strand). Cytogenetic location: 20p13.
Variant type: single nucleotide variant.
Coding change: c.1082G>A on transcript NM_001386393.1 (MANE Select); coding-DNA position 1082, G replaced by A.
Protein change: p.Ser361Asn; replaces serine 361 with asparagine.
Molecular consequence: missense variant. On other transcripts: non-coding transcript variant (1).
Genome position (GRCh38, 1-based): chr20:3,912,634, G>A. VCF-style: chr20-3912634-G-A. GRCh37 (hg19) VCF-style: chr20-3893281-G-A.
Other names: S361N; c.539G>A, p.Ser180Asn (NM_001324191.2, NM_024960.6, NM_153640.4); c.104G>A, p.Ser35Asn (NM_001324193.2); c.1412G>A, p.Ser471Asn (NM_153638.4); c.1412G>A (NM_153638.3); short protein forms S180N, S471N, S35N.
Identifiers: ClinVar variation 4552 (VCV000004552.3), dbSNP rs137852963, ClinGen allele CA253213.

ClinVar aggregate classification (germline): Likely pathogenic. Review status: criteria provided, single submitter (1 of 4 stars). 2 submissions from 2 submitters: Likely pathogenic (1). 1 of the submissions does not count toward it. Last evaluated 2023-04-04.

Conditions:
Pigmentary pallidal degeneration (NBIA1). Also called: PKAN NEUROAXONAL DYSTROPHY, JUVENILE-ONSET; Neuroaxonal dystrophy, late infantile; Hallervorden-Spatz disease; Neurodegeneration with brain iron accumulation 1; Pantothenate Kinase-Associated Neurodegeneration; HARP SYNDROME. Identifiers: Orphanet 157850, MedGen C0018523, MONDO:0009319, OMIM 234200.

Allele frequency attached by ClinVar (database versions not stated): gnomAD exomes below 0.00001.
gnomAD v4.1: 1 of 1,613,926 alleles (0.000062%); highest among the groups gnomAD compares: Non-Finnish European, 0.000085%; no homozygotes.

Submissions (2):

Women's Health and Genetics/Laboratory Corporation of America, LabCorp
Classification: Likely pathogenic for Pigmentary pallidal degeneration. Last evaluated: 2023-04-04. Review status: criteria provided, single submitter. Criteria: LabCorp Variant Classification Summary - May 2015. Collection method: clinical testing. Allele origin: germline.
Comment: Variant summary: PANK2 c.1412G>A (p.Ser471Asn) results in a conservative amino acid change in the encoded protein sequence. Four of five in-silico tools predict a damaging effect of the variant on protein function. Several computational tools predict a significant impact on normal splicing: three predict the variant weakens a 5 prime donor site and one predicts the variant abolishes a 5 prime splicing donor site. However, these predictions have yet to be confirmed by functional studies. The variant was absent in 251360 control chromosomes. The available data on variant occurrences in the general population are insufficient to allow any conclusion about variant significance. c.1412G>A has been reported in the literature in both homozygous and compound heterozygous individuals affected with Pantothenate Kinase-Associated Neurodegeneration (e.g., Zhou_2001, Hayflick_2003, Hartig_2006). These data indicate that the variant may be associated with disease. At least one publication reports experimental evidence evaluating an impact on protein function, finding that although the variant does not disrupt protein stability or mitochondrial localization, it does result in severely reduced catalytic acitvity (e.g., Kotzbauer_2005, Zhang_2006). No clinical diagnostic laboratories have submitted clinical-significance assessments for this variant to ClinVar after 2014. Based on the evidence outlined above, the variant was classified as likely pathogenic.

OMIM
Classification: Pathogenic for NEURODEGENERATION WITH BRAIN IRON ACCUMULATION 1. Last evaluated: 2001-08-01. Review status: no assertion criteria provided. Collection method: literature only. Allele origin: germline. Not counted in ClinVar's aggregate classification.

Literature cited by the submitters: PubMed 11479594 (cited by Women's Health and Genetics/Laboratory Corporation of America, LabCorp and OMIM); PubMed 16437574 (cited by Women's Health and Genetics/Laboratory Corporation of America, LabCorp); PubMed 12510040 (cited by Women's Health and Genetics/Laboratory Corporation of America, LabCorp); PubMed 16272150 (cited by Women's Health and Genetics/Laboratory Corporation of America, LabCorp); PubMed 15659606 (cited by Women's Health and Genetics/Laboratory Corporation of America, LabCorp).